The following is an entry in ClinVar:

NM_177986.5(DSG4):c.495C>T (p.Ser165=)

Genes: DSG1-AS1 (DSG1 antisense RNA 1; minus strand), DSG4 (desmoglein 4; plus strand). Cytogenetic location: 18q12.1.
Variant type: single nucleotide variant.
Coding change: c.495C>T on transcript NM_177986.5 (MANE Select); coding-DNA position 495, C replaced by T.
Protein change: p.Ser165=; no amino-acid change (serine 165 retained).
Molecular consequence: synonymous variant.
Genome position (GRCh38, 1-based): chr18:31,388,996, C>T. VCF-style: chr18-31388996-C-T. GRCh37 (hg19) VCF-style: chr18-28968959-C-T.
Other names: c.495C>T, p.Ser165= (NM_001134453.3).
Identifiers: ClinVar variation 326421 (VCV000326421.14), dbSNP rs9956865, ClinGen allele CA8926733.
Genomic context (GRCh38, chr18:31,388,996, plus strand): 5'-CAAAGTTATGGACATAAATGATAACGCTCCAGTCTTTTCGCAAAGTGTATACACAGCCAG[C>T]ATTGAAGAAAATAGTGATGCCAGTAAGTAGAATGACATTCCTTCTCTACGTCACAGCATA-3'
Protein context (NP_817123.1, residues 155-175): PVFSQSVYTA[Ser165=]IEENSDANTL

ClinVar aggregate classification (germline): Benign. Review status: criteria provided, multiple submitters, no conflicts (2 of 4 stars). 4 submissions from 4 submitters: Benign (4). Last evaluated 2026-02-04.

Conditions:
Hypotrichosis 6 (HYPT6). Also called: HYPOTRICHOSIS, LOCALIZED, AUTOSOMAL RECESSIVE 1; MONILETHRIX-LIKE HYPOTRICHOSIS. Identifiers: Orphanet 55654, MedGen C1842839, MONDO:0011932, OMIM 607903.

Allele frequency attached by ClinVar (database versions not stated): gnomAD exomes 0.75879 and 0.78096; ExAC 0.77427; ESP Exome Variant Server 0.77876; gnomAD 0.78599 and 0.78725; TOPMed 0.80172; 1000 Genomes Project 0.80491; 1000 Genomes Project 30x 0.80824.
gnomAD v4.1: 1,226,942 of 1,611,094 alleles (76%); highest among the groups gnomAD compares: East Asian, 96%; 469,938 homozygotes.

Submissions (4):

Labcorp Genetics (formerly Invitae), Labcorp
Classification: Benign. Last evaluated: 2026-02-04. Review status: criteria provided, single submitter. Criteria: Invitae Variant Classification Sherloc (09022015). Collection method: clinical testing. Allele origin: germline.

GeneDx
Classification: Benign. Last evaluated: 2021-06-09. Review status: criteria provided, single submitter. Criteria: GeneDx Variant Classification Process June 2021. Collection method: clinical testing. Allele origin: germline. Affected: yes.

Illumina Laboratory Services, Illumina
Classification: Benign for Hypotrichosis 6. Last evaluated: 2018-01-13. Review status: criteria provided, single submitter. Criteria: ICSL Variant Classification Criteria 13 December 2019. Collection method: clinical testing. Allele origin: germline.
Comment: This variant was observed in the ICSL laboratory as part of a predisposition screen in an ostensibly healthy population. It had not been previously curated by ICSL or reported in the Human Gene Mutation Database (HGMD: prior to June 1st, 2018), and was therefore a candidate for classification through an automated scoring system. Utilizing variant allele frequency, disease prevalence and penetrance estimates, and inheritance mode, an automated score was calculated to assess if this variant is too frequent to cause the disease. Based on the score and internal cut-off values, a variant classified as benign is not then subjected to further curation. The score for this variant resulted in a classification of benign for this disease.

Breakthrough Genomics
Classification: Benign. Review status: criteria provided, single submitter. Criteria: ACMG Guidelines, 2015. Collection method: not provided. Allele origin: germline. Inheritance: Autosomal recessive inheritance. Affected: yes.